The following is an entry in ClinVar:

NM_001356.5(DDX3X):c.679+3_679+4inv

Gene: DDX3X (DEAD-box helicase 3 X-linked; plus strand). Cytogenetic location: Xp11.4.
Variant type: Inversion.
Coding change: c.679+3_679+4inv on transcript NM_001356.5 (MANE Select).
Molecular consequence: intron variant.
Genome position: GRCh38 VCF-style: chrX-41343354-AA-TT. GRCh37 (hg19) VCF-style: chrX-41202607-AA-TT.
Other names: c.679+3_679+4inv (NM_001193416.3); c.631+3_631+4inv (NM_001193417.3); c.121+3_121+4inv (NM_001363819.1).
Identifiers: ClinVar variation 451271 (VCV000451271.2), ClinGen allele CA658658973.

ClinVar aggregate classification (germline): Likely pathogenic (1 of 4 stars; one submission).

Submission:

GeneDx
Classification: Likely pathogenic. Last evaluated: 2017-08-04. Review status: criteria provided, single submitter. Criteria: GeneDx Variant Classification (06012015). Collection method: clinical testing. Allele origin: germline. Affected: yes.
Comment: The c.679+3_679+4delAAinsTT variant in the DDX3X gene has not been reported previously as a pathogenic variant nor as a benign variant, to our knowledge. This variant reduces the quality of the splice donor site in intron 7, and may cause abnormal gene splicing. However, in the absence of RNA/functional studies, the actual effect of c.679+3_679+4delAAinsTT in this individual is unknown. The c.679+3_679+4delAAinsTT variant is not observed in large population cohorts (Lek et al., 2016; 1000 Genomes Consortium et al., 2015; Exome Variant Server). We interpret c.679+3_679+4delAAinsTT as a likely pathogenic variant